The following is an entry in ClinVar:

ClinVar aggregate classification (germline): Uncertain significance. Review status: criteria provided, multiple submitters, no conflicts (2 of 4 stars). 3 submissions from 3 submitters: Uncertain significance (3). Last evaluated 2024-07-25.

Conditions:
Developmental and epileptic encephalopathy, 1 (DEE1). Also called: X-linked infantile spasms; West's syndrome; Tonic spasms with clustering, arrest of psychomotor development and hypsarrhythmia on EEG; X-Linked Infantile Spasm Syndrome; INFANTILE SPASM SYNDROME, X-LINKED 1; Epileptic encephalopathy, early infantile, 1. Identifiers: MedGen C3463992, MONDO:0010632, OMIM 308350. Disease mechanism: loss of function.
Autosomal recessive spinocerebellar ataxia 12. Also called: SPINOCEREBELLAR ATAXIA WITH MENTAL RETARDATION AND EPILEPSY. Identifiers: Orphanet 284282, MedGen C3280452, MONDO:0013687, OMIM 614322.
Inborn genetic diseases. Identifiers: MedGen C0950123, MeSH D030342.

Allele frequency attached by ClinVar (database versions not stated): gnomAD exomes 0.00003; ExAC 0.00004; gnomAD 0.00004 and 0.00005; TOPMed 0.00005; ESP Exome Variant Server 0.00008.
gnomAD v4.1: 80 of 1,614,064 alleles (0.005%); highest among the groups gnomAD compares: South Asian, 0.0088%; no homozygotes.

Submissions (3):

Ambry Genetics
Classification: Uncertain significance for Inborn genetic diseases. Last evaluated: 2024-07-25. Review status: criteria provided, single submitter. Criteria: Ambry Variant Classification Scheme 2023. Collection method: clinical testing. Allele origin: germline.

Labcorp Genetics (formerly Invitae), Labcorp
Classification: Uncertain significance for Developmental and epileptic encephalopathy, 1; Autosomal recessive spinocerebellar ataxia 12. Last evaluated: 2022-08-15. Review status: criteria provided, single submitter. Criteria: Invitae Variant Classification Sherloc (09022015). Collection method: clinical testing. Allele origin: germline.
Comment: This sequence change replaces arginine, which is basic and polar, with glutamine, which is neutral and polar, at codon 395 of the WWOX protein (p.Arg395Gln). This variant is present in population databases (rs373148311, gnomAD 0.01%). This variant has not been reported in the literature in individuals affected with WWOX-related conditions. ClinVar contains an entry for this variant (Variation ID: 645483). Algorithms developed to predict the effect of missense changes on protein structure and function output the following: SIFT: "Not Available"; PolyPhen-2: "Benign"; Align-GVGD: "Not Available". The glutamine amino acid residue is found in multiple mammalian species, which suggests that this missense change does not adversely affect protein function. In summary, the available evidence is currently insufficient to determine the role of this variant in disease. Therefore, it has been classified as a Variant of Uncertain Significance.

GeneDx
Classification: Uncertain significance. Last evaluated: 2019-11-07. Review status: criteria provided, single submitter. Criteria: GeneDx Variant Classification Process June 2021. Collection method: clinical testing. Allele origin: germline. Affected: yes.
Comment: Not observed at a significant frequency in large population cohorts (Lek et al., 2016); Has not been previously published as pathogenic or benign to our knowledge

NM_016373.4(WWOX):c.1184G>A (p.Arg395Gln)

Genes: MAF (MAF bZIP transcription factor; minus strand), WWOX (WW domain containing oxidoreductase; plus strand). Cytogenetic location: 16q23.2.
Variant type: single nucleotide variant.
Coding change: c.1184G>A on transcript NM_016373.4 (MANE Select); coding-DNA position 1184, G replaced by A.
Protein change: p.Arg395Gln; replaces arginine 395 with glutamine.
Molecular consequence: missense variant.
Genome position (GRCh38, 1-based): chr16:79,211,735, G>A. VCF-style: chr16-79211735-G-A. GRCh37 (hg19) VCF-style: chr16-79245632-G-A.
Other names: c.845G>A, p.Arg282Gln (NM_001291997.2); short protein forms R395Q, R282Q.
Identifiers: ClinVar variation 645483 (VCV000645483.10), dbSNP rs373148311, ClinGen allele CA8183781.